The following is an entry in ClinVar:

NR_003137.3(RNU4-2):n.118A>G

Genes: RNU4-2 (RNA, U4 small nuclear 2; minus strand), SIRT4 (sirtuin 4; plus strand). Cytogenetic location: 12q24.23.
Variant type: single nucleotide variant.
Molecular consequence: non-coding transcript variant (on NR_003137.3).
Genome position: GRCh38 VCF-style: chr12-120291786-T-C. GRCh37 (hg19) VCF-style: chr12-120729589-T-C.
Identifiers: ClinVar variation 4795833 (VCV004795833.2).
Genomic context (GRCh38, chr12:120,291,786, plus strand): 5'-TCCTAAAACCCTTTTCTTTAGACTTTTAAAAATTCAGTCTCCGTAGAGACTGTCAAAAAT[T>C]GCCAATGCCGACTATATTTCAAGTCGTCATGGCGGGGTATTGGGAAAAGTTTTCAATTAG-3'

ClinVar aggregate classification (germline): Likely pathogenic. Review status: criteria provided, multiple submitters, no conflicts (2 of 4 stars). 2 submissions from 2 submitters: Likely pathogenic (2). Last evaluated 2026-05-22.

Conditions:
Motor Disorders. Identifiers: MedGen C0221163.
Neurodevelopmental disorder with hypotonia, brain anomalies, distinctive facies, and absent language. Also called: ReNU SYNDROME; RNU4-2-Related Neurodevelopmental Disorder; RNU4-2–Related Autosomal Dominant Neurodevelopmental Disorder. Identifiers: Orphanet 686488, MedGen C5935628, MONDO:0971172, OMIM 620851.

Submissions (2):

Clinical Genetics Laboratory, Skane University Hospital Lund
Classification: Likely pathogenic for Motor Disorders. Last evaluated: 2026-05-22. Review status: criteria provided, single submitter. Criteria: ACMG Guidelines, 2015. Collection method: clinical testing. Allele origin: germline. Affected: yes.
Comment: PS3_Supporting, PM1, PM2 and PM5

Centre for Population Genomics, CPG
Classification: Likely pathogenic for RNU4-2-Related Neurodevelopmental Disorder. Last evaluated: 2026-02-11. Review status: criteria provided, single submitter. Criteria: Ellingford et al. (Genome Med. 2022). Collection method: research. Allele origin: germline. Inheritance: Autosomal recessive inheritance. Affected: yes. Observed: 1 variant allele, 1 compound heterozygote.
Comment: PM2_supp,PS3_supp,PM1,PM5